The following is an entry in ClinVar:

ClinVar aggregate classification (germline): Likely pathogenic. Review status: criteria provided, multiple submitters, no conflicts (2 of 4 stars). 3 submissions from 3 submitters: Likely pathogenic (3). Last evaluated 2024-10-21.

Conditions:
SKIN/HAIR/EYE PIGMENTATION 5, BLACK/NONBLACK HAIR (SHEP5). Also called: SKIN/HAIR/EYE PIGMENTATION, VARIATION IN, 5; SKIN/HAIR/EYE PIGMENTATION 5, DARK/FAIR SKIN; SKIN/HAIR/EYE PIGMENTATION 5, DARK/LIGHT EYES. Identifiers: MedGen C2673584, OMIM 227240.
Oculocutaneous albinism type 4 (OCA4). Also called: Albinism, oculocutaneous, type IV. Identifiers: Orphanet 79435, MedGen C1847836, MONDO:0011683, OMIM 606574.

Allele frequency attached by ClinVar (database versions not stated): gnomAD exomes below 0.00001 and 0.00001; TOPMed below 0.00001.
gnomAD v4.1: 5 of 1,614,126 alleles (0.00031%); highest among the groups gnomAD compares: Admixed American, 0.005%; no homozygotes.

Submissions (3):

Labcorp Genetics (formerly Invitae), Labcorp
Classification: Likely pathogenic. Last evaluated: 2024-10-21. Review status: criteria provided, single submitter. Criteria: Invitae Variant Classification Sherloc (09022015). Collection method: clinical testing. Allele origin: germline.
Comment: This sequence change replaces glutamic acid, which is acidic and polar, with lysine, which is basic and polar, at codon 368 of the SLC45A2 protein (p.Glu368Lys). This variant is present in population databases (no rsID available, gnomAD 0.009%). This missense change has been observed in individual(s) with clinical features of albinism (PMID: 19865097, 34838614). ClinVar contains an entry for this variant (Variation ID: 1504209). Invitae Evidence Modeling of protein sequence and biophysical properties (such as structural, functional, and spatial information, amino acid conservation, physicochemical variation, residue mobility, and thermodynamic stability) indicates that this missense variant is not expected to disrupt SLC45A2 protein function with a negative predictive value of 80%. In summary, the currently available evidence indicates that the variant is pathogenic, but additional data are needed to prove that conclusively. Therefore, this variant has been classified as Likely Pathogenic.

Women's Health and Genetics/Laboratory Corporation of America, LabCorp
Classification: Likely pathogenic for Oculocutaneous albinism type 4. Last evaluated: 2024-08-06. Review status: criteria provided, single submitter. Criteria: LabCorp Variant Classification Summary - May 2015. Collection method: clinical testing. Allele origin: germline.
Comment: Variant summary: SLC45A2 c.1102G>A (p.Glu368Lys) results in a conservative amino acid change in the encoded protein sequence. Three of five in-silico tools predict a benign effect of the variant on protein function. The variant allele was found at a frequency of 1.2e-05 in 251456 control chromosomes (gnomAD). c.1102G>A has been reported in the literature in individuals affected with Oculocutaneous albinism type 4 (Wei_2010, 2022, Qiu_2018). These data indicate that the variant is likely to be associated with disease. To our knowledge, no experimental evidence demonstrating an impact on protein function has been reported. The following publications have been ascertained in the context of this evaluation (PMID: 19865097, 34838614, 29437493). ClinVar contains an entry for this variant (Variation ID: 1504209). Based on the evidence outlined above, the variant was classified as likely pathogenic.

Juno Genomics, Hangzhou Juno Genomics, Inc
Classification: Likely pathogenic for SKIN/HAIR/EYE PIGMENTATION 5, BLACK/NONBLACK HAIR; Oculocutaneous albinism type 4. Review status: criteria provided, single submitter. Criteria: ACMG Guidelines, 2015. Collection method: clinical testing. Allele origin: germline.
Comment: Absent from controls (or at extremely low frequency if recessive) in Genome Aggregation Database.;For recessive disorders, detected in trans with a pathogenic variant.;Patient's phenotype or family history is highly specific for a disease with a single genetic etiology.

Literature cited by the submitters: PubMed 19865097 (cited by Labcorp Genetics (formerly Invitae), Labcorp and Women's Health and Genetics/Laboratory Corporation of America, LabCorp); PubMed 34838614 (cited by Labcorp Genetics (formerly Invitae), Labcorp and Women's Health and Genetics/Laboratory Corporation of America, LabCorp); PubMed 29437493 (cited by Women's Health and Genetics/Laboratory Corporation of America, LabCorp).

NM_016180.5(SLC45A2):c.1102G>A (p.Glu368Lys)

Gene: SLC45A2 (solute carrier family 45 member 2; minus strand). Cytogenetic location: 5p13.2.
Variant type: single nucleotide variant.
Coding change: c.1102G>A on transcript NM_016180.5 (MANE Select); coding-DNA position 1102, G replaced by A.
Protein change: p.Glu368Lys; replaces glutamic acid 368 with lysine.
Molecular consequence: missense variant. On other transcripts: 3 prime UTR variant (1).
Genome position (GRCh38, 1-based): chr5:33,951,608, C>T on the plus strand (G>A on the coding strand, the complement: SLC45A2 is on the minus strand). VCF-style: chr5-33951608-C-T. GRCh37 (hg19) VCF-style: chr5-33951713-C-T.
Other names: c.1102G>A, p.Glu368Lys (NM_001012509.4); c.*44G>A (NM_001297417.4); short protein forms E368K.
Identifiers: ClinVar variation 1504209 (VCV001504209.9), dbSNP rs1307137184, ClinGen allele CA359389863.